The following is an entry in ClinVar:

ClinVar aggregate classification (germline): Conflicting classifications of pathogenicity. Review status: criteria provided, conflicting classifications (1 of 4 stars). 7 submissions from 7 submitters: Uncertain significance (1); Likely benign (4). 2 of the submissions do not count toward it. Last evaluated 2026-01-18.

Conditions:
USH1C-related disorder. Also called: USH1C-related condition.
Usher syndrome type 1C. Also called: USHER SYNDROME, TYPE I, ACADIAN VARIETY. Identifiers: Orphanet 231169, Orphanet 886, MedGen C1848604, MONDO:0010171, OMIM 276904.

Allele frequency attached by ClinVar (database versions not stated): ExAC 0.00021; 1000 Genomes Project 30x 0.00031; ESP Exome Variant Server 0.00039; 1000 Genomes Project 0.00040; gnomAD 0.00044 and 0.00046; TOPMed 0.00047.
gnomAD v4.1: 173 of 1,613,256 alleles (0.011%); highest among the groups gnomAD compares: African/African-American, 0.17%; no homozygotes.

Submissions (7):

Labcorp Genetics (formerly Invitae), Labcorp
Classification: Likely benign. Last evaluated: 2026-01-18. Review status: criteria provided, single submitter. Criteria: Invitae Variant Classification Sherloc (09022015). Collection method: clinical testing. Allele origin: germline.

CeGaT Center for Human Genetics Tuebingen
Classification: Likely benign. Last evaluated: 2024-05-01. Review status: criteria provided, single submitter. Criteria: CeGaT Center For Human Genetics Tuebingen Variant Classification Criteria Version 2. Collection method: clinical testing. Allele origin: germline. Affected: yes. Observed: 1 variant allele.
Comment: USH1C: BP4, BP7

Blueprint Genetics
Classification: Likely benign. Last evaluated: 2023-12-14. Review status: criteria provided, single submitter. Criteria: ACMG Guidelines, 2015. Collection method: clinical testing. Allele origin: germline.

GeneDx
Classification: Likely benign. Last evaluated: 2021-01-20. Review status: criteria provided, single submitter. Criteria: GeneDx Variant Classification Process June 2021. Collection method: clinical testing. Allele origin: germline. Affected: yes.

Eurofins Ntd Llc (ga)
Classification: Uncertain significance. Last evaluated: 2017-03-31. Review status: criteria provided, single submitter. Criteria: EGL Classification Definitions 2015. Collection method: clinical testing. Allele origin: germline. Observed: 1 variant allele, 1 heterozygote.

PreventionGenetics, part of Exact Sciences
Classification: Likely benign for USH1C-related condition. Last evaluated: 2024-08-05. Review status: no assertion criteria provided. Collection method: clinical testing. Allele origin: germline. Not counted in ClinVar's aggregate classification.
Comment: This variant is classified as likely benign based on ACMG/AMP sequence variant interpretation guidelines (Richards et al. 2015 PMID: 25741868, with internal and published modifications).

Natera, Inc.
Classification: Likely benign for Usher syndrome type 1C. Last evaluated: 2020-07-28. Review status: no assertion criteria provided. Collection method: clinical testing. Allele origin: germline. Not counted in ClinVar's aggregate classification.

NM_153676.4(USH1C):c.2265C>T (p.Leu755=)

Gene: USH1C (USH1 protein network component harmonin; minus strand). Cytogenetic location: 11p15.1.
Variant type: single nucleotide variant.
Coding change: c.2265C>T on transcript NM_153676.4 (MANE Select); coding-DNA position 2265, C replaced by T.
Protein change: p.Leu755=; no amino-acid change (leucine 755 retained).
Molecular consequence: synonymous variant. On other transcripts: non-coding transcript variant (1).
Genome position (GRCh38, 1-based): chr11:17,501,497, G>A on the plus strand (C>T on the coding strand, the complement: USH1C is on the minus strand). VCF-style: chr11-17501497-G-A. GRCh37 (hg19) VCF-style: chr11-17523044-G-A.
Other names: c.1308C>T, p.Leu436= (NM_001297764.2); c.1365C>T, p.Leu455= (NM_005709.4); c.2265C>T (NM_153676.3).
Identifiers: ClinVar variation 500843 (VCV000500843.38), dbSNP rs151251262, ClinGen allele CA5904257.